The following is an entry in ClinVar:

NM_000038.6(APC):c.1776A>T (p.Leu592Phe)

Gene: APC (APC regulator of Wnt signaling pathway; plus strand). Cytogenetic location: 5q22.2.
Variant type: single nucleotide variant.
Coding change: c.1776A>T on transcript NM_000038.6 (MANE Select); coding-DNA position 1776, A replaced by T.
Protein change: p.Leu592Phe; replaces leucine 592 with phenylalanine.
Molecular consequence: missense variant.
Genome position (GRCh38, 1-based): chr5:112,834,983, A>T. VCF-style: chr5-112834983-A-T. GRCh37 (hg19) VCF-style: chr5-112170680-A-T.
Other names: c.1776A>T, p.Leu592Phe (NM_001127510.3, NM_001354895.2); c.1722A>T, p.Leu574Phe (NM_001127511.3); c.1830A>T, p.Leu610Phe (NM_001354896.2); c.1806A>T, p.Leu602Phe (NM_001354897.2); c.1701A>T, p.Leu567Phe (NM_001354898.2); c.1692A>T, p.Leu564Phe (NM_001354899.2); c.1653A>T, p.Leu551Phe (NM_001354900.2); c.1599A>T, p.Leu533Phe (NM_001354901.2); and 5 more; short protein forms L592F, L574F, L551F, L567F, L610F, L432F, L533F, L309F.
Identifiers: ClinVar variation 537416 (VCV000537416.13), dbSNP rs1554083127, ClinGen allele CA16025199.

ClinVar aggregate classification (germline): Uncertain significance. Review status: criteria provided, multiple submitters, no conflicts (2 of 4 stars). 2 submissions from 2 submitters: Uncertain significance (2). Last evaluated 2025-12-09.

Conditions:
Hereditary cancer-predisposing syndrome. Also called: Tumor predisposition; Hereditary Cancer Syndrome; Hereditary neoplastic syndrome; Neoplastic Syndromes, Hereditary. Identifiers: Orphanet 140162, MedGen C0027672, MeSH D009386, MONDO:0015356.
Familial adenomatous polyposis 1 (FAP1). Also called: FAMILIAL ADENOMATOUS POLYPOSIS 1, ATTENUATED; POLYPOSIS, ADENOMATOUS INTESTINAL. Identifiers: MedGen C2713442, MONDO:0021056, OMIM 175100. Disease mechanism: loss of function.

Submissions (2):

Labcorp Genetics (formerly Invitae), Labcorp
Classification: Uncertain significance for Familial adenomatous polyposis 1. Last evaluated: 2025-12-09. Review status: criteria provided, single submitter. Criteria: Invitae Variant Classification Sherloc (09022015). Collection method: clinical testing. Allele origin: germline.
Comment: This sequence change replaces leucine, which is neutral and non-polar, with phenylalanine, which is neutral and non-polar, at codon 592 of the APC protein (p.Leu592Phe). This variant is not present in population databases (gnomAD no frequency). This variant has not been reported in the literature in individuals affected with APC-related conditions. ClinVar contains an entry for this variant (Variation ID: 537416). Invitae Evidence Modeling of protein sequence and biophysical properties (such as structural, functional, and spatial information, amino acid conservation, physicochemical variation, residue mobility, and thermodynamic stability) indicates that this missense variant is not expected to disrupt APC protein function with a negative predictive value of 95%. In summary, the available evidence is currently insufficient to determine the role of this variant in disease. Therefore, it has been classified as a Variant of Uncertain Significance.

Ambry Genetics
Classification: Uncertain significance for Hereditary cancer-predisposing syndrome. Last evaluated: 2024-04-02. Review status: criteria provided, single submitter. Criteria: Ambry Variant Classification Scheme 2023. Collection method: clinical testing. Allele origin: germline.
Comment: The p.L592F variant (also known as c.1776A>T), located in coding exon 14 of the APC gene, results from an A to T substitution at nucleotide position 1776. The leucine at codon 592 is replaced by phenylalanine, an amino acid with highly similar properties. This amino acid position is highly conserved in available vertebrate species. In addition, in silico predictors for this gene do not accurately predict pathogenicity. Since supporting evidence is limited at this time, the clinical significance of this alteration remains unclear.